The following is an entry in ClinVar:

ClinVar aggregate classification (germline): Benign/Likely benign. Review status: criteria provided, multiple submitters, no conflicts (2 of 4 stars). 2 submissions from 2 submitters: Benign (1); Likely benign (1). Last evaluated 2022-05-04.

Conditions:
Vesicoureteral reflux 2 (VUR2). Identifiers: Orphanet 289365, MedGen C1970483, MONDO:0012573, OMIM 610878.

Allele frequency attached by ClinVar (database versions not stated): gnomAD 0.00004 and 0.00006; TOPMed 0.00008; ExAC 0.00014; 1000 Genomes Project 30x 0.00016; gnomAD exomes 0.00016; 1000 Genomes Project 0.00020.
gnomAD v4.1: 58 of 1,600,774 alleles (0.0036%); highest among the groups gnomAD compares: East Asian, 0.076%; 1 homozygote.

Submissions (2):

Fulgent Genetics
Classification: Likely benign for Vesicoureteral reflux 2. Last evaluated: 2022-05-04. Review status: criteria provided, single submitter. Criteria: ACMG Guidelines, 2015. Collection method: clinical testing. Allele origin: unknown.

Illumina Laboratory Services, Illumina
Classification: Benign for Vesicoureteral reflux 2. Last evaluated: 2018-01-13. Review status: criteria provided, single submitter. Criteria: ICSL Variant Classification Criteria 13 December 2019. Collection method: clinical testing. Allele origin: germline.
Comment: This variant was observed in the ICSL laboratory as part of a predisposition screen in an ostensibly healthy population. It had not been previously curated by ICSL or reported in the Human Gene Mutation Database (HGMD: prior to June 1st, 2018), and was therefore a candidate for classification through an automated scoring system. Utilizing variant allele frequency, disease prevalence and penetrance estimates, and inheritance mode, an automated score was calculated to assess if this variant is too frequent to cause the disease. Based on the score and internal cut-off values, a variant classified as benign is not then subjected to further curation. The score for this variant resulted in a classification of benign for this disease.

NM_001395656.1(ROBO2):c.2738+9C>T

Gene: ROBO2 (roundabout guidance receptor 2; plus strand). Cytogenetic location: 3p12.3.
Variant type: single nucleotide variant.
Coding change: c.2738+9C>T on transcript NM_001395656.1 (MANE Select); 9 bases into the intron after coding-DNA position 2738, C replaced by T.
Molecular consequence: intron variant.
Genome position (GRCh38, 1-based): chr3:77,595,193, C>T. VCF-style: chr3-77595193-C-T. GRCh37 (hg19) VCF-style: chr3-77644344-C-T.
Other names: c.2786+9C>T (NM_001378191.1, NM_001378195.1, NM_001378196.1 and 4 more transcripts); c.2774+9C>T (NM_001128929.3); c.2807+9C>T (NM_001394213.1, NM_001378192.1, NM_001378198.1 and 2 more transcripts); c.2795+9C>T (NM_001394212.1, NM_001395657.1, NM_001394214.1); c.2738+9C>T (NM_001290040.2, NM_001290039.2, NM_001378202.1); c.947+9C>T (NM_001290065.2); c.2726+9C>T (NM_001378197.1, NM_001378193.1, NM_002942.5).
Identifiers: ClinVar variation 346701 (VCV000346701.7), dbSNP rs573265362, ClinGen allele CA2497406.